The following is an entry in ClinVar:

ClinVar aggregate classification (germline): Uncertain significance (1 of 4 stars; one submission).

Conditions:
CHN1-related disorder. Also called: CHN1-related condition.

Allele frequency attached by ClinVar (database versions not stated): ExAC 0.00001.
gnomAD v4.1: 2 of 1,430,270 alleles (0.00014%); highest among the groups gnomAD compares: East Asian, 0.0024%; no homozygotes.

Submission:

PreventionGenetics, part of Exact Sciences
Classification: Uncertain significance for CHN1-related condition. Last evaluated: 2026-07-17. Review status: criteria provided, single submitter. Criteria: ACMG Guidelines, 2015. Collection method: clinical testing. Allele origin: germline.
Comment: The CHN1 c.1216C>T variant is predicted to result in the amino acid substitution p.Leu406Phe. To our knowledge, this variant has not been reported in the literature. This variant is reported in 0.0076% of alleles in individuals of East Asian descent in gnomAD. At this time, the clinical significance of this variant is uncertain due to the absence of conclusive functional and genetic evidence.

NM_001822.7(CHN1):c.1216C>T (p.Leu406Phe)

Gene: CHN1 (chimerin 1; minus strand). Cytogenetic location: 2q31.1.
Variant type: single nucleotide variant.
Coding change: c.1216C>T on transcript NM_001822.7 (MANE Select); coding-DNA position 1216, C replaced by T.
Protein change: p.Leu406Phe; replaces leucine 406 with phenylalanine.
Molecular consequence: missense variant. On other transcripts: non-coding transcript variant (1).
Genome position (GRCh38, 1-based): chr2:174,800,280, G>A on the plus strand (C>T on the coding strand, the complement: CHN1 is on the minus strand). VCF-style: chr2-174800280-G-A. GRCh37 (hg19) VCF-style: chr2-175665008-G-A.
Other names: c.1138C>T, p.Leu380Phe (NM_001025201.4); c.841C>T, p.Leu281Phe (NM_001206602.2); c.1216C>T, p.Leu406Phe (NM_001371513.1); c.1267C>T, p.Leu423Phe (NM_001371514.1); short protein forms L281F, L380F, L406F, L423F.
Identifiers: ClinVar variation 2632254 (VCV002632254.2), dbSNP rs375782530, ClinGen allele CA1974793.